The following is an entry in ClinVar:

ClinVar aggregate classification (germline): Pathogenic (1 of 4 stars; one submission).

Conditions:
Early-infantile DEE. Also called: Ohtahara syndrome; Early infantile epileptic encephalopathy with suppression bursts; Early infantile epileptic encephalopathy. Identifiers: Orphanet 1934, MedGen C0393706, MONDO:0800491.

Submission:

Labcorp Genetics (formerly Invitae), Labcorp
Classification: Pathogenic for Early-infantile DEE. Last evaluated: 2022-11-22. Review status: criteria provided, single submitter. Criteria: Invitae Variant Classification Sherloc (09022015). Collection method: clinical testing. Allele origin: germline.
Comment: This premature translational stop signal has been observed in individual(s) with clinical features consistent with SCN1A-related conditions (Invitae). This sequence change creates a premature translational stop signal (p.Tyr1809Leufs*49) in the SCN1A gene. While this is not anticipated to result in nonsense mediated decay, it is expected to disrupt the last 201 amino acid(s) of the SCN1A protein. This variant is not present in population databases (gnomAD no frequency). ClinVar contains an entry for this variant (Variation ID: 851602). This variant disrupts a region of the SCN1A protein in which other variant(s) (p.Arg1886*) have been determined to be pathogenic (PMID: 17054684, 17347258, 18930999, 22409937). This suggests that this is a clinically significant region of the protein, and that variants that disrupt it are likely to be disease-causing. For these reasons, this variant has been classified as Pathogenic.

Literature cited by the submitters: PubMed 17054684; PubMed 17347258; PubMed 18930999; PubMed 22409937.

NM_001165963.4(SCN1A):c.5426del (p.Tyr1809fs)

Genes: SCN1A (sodium voltage-gated channel alpha subunit 1; minus strand), LOC102724058 (uncharacterized LOC102724058; plus strand). Cytogenetic location: 2q24.3.
Variant type: Deletion.
Coding change: c.5426del on transcript NM_001165963.4 (MANE Select); coding-DNA position 5426, one base deleted (A; older notation c.5426delA).
Protein change: p.Tyr1809fs; shifts the reading frame from tyrosine 1809.
Molecular consequence: frameshift variant. On other transcripts: non-coding transcript variant (1).
Genome position (GRCh38, 1-based): chr2:165,991,849, T deleted on the plus strand (A on the coding strand, the reverse complement: SCN1A is on the minus strand). VCF-style (leftmost placement, unchanged base first): chr2-165991848-AT-A. GRCh37 (hg19) VCF-style: chr2-166848358-AT-A.
Other names: c.5342del, p.Tyr1781fs (NM_001165964.3, NM_001353957.2, NM_001353958.2); c.5426del, p.Tyr1809fs (NM_001202435.3, NM_001353948.2); c.5393del, p.Tyr1798fs (NM_001353949.2, NM_001353950.2, NM_001353951.2 and 2 more transcripts); c.5390del, p.Tyr1797fs (NM_001353954.2, NM_001353955.2); c.5339del, p.Tyr1780fs (NM_001353960.2); c.2984del, p.Tyr995fs (NM_001353961.2); short protein forms Y1809fs, Y1780fs, Y1781fs, Y1797fs, Y1798fs, Y995fs.
Identifiers: ClinVar variation 851602 (VCV000851602.9), dbSNP rs1689218857, ClinGen allele CA916082222.